The following is an entry in ClinVar:

ClinVar aggregate classification (germline): Conflicting classifications of pathogenicity. Review status: criteria provided, conflicting classifications (1 of 4 stars). 4 submissions from 4 submitters: Uncertain significance (3); Likely benign (1). Last evaluated 2025-10-29.

Conditions:
ATR-related disorder. Also called: ATR-related condition.
Inborn genetic diseases. Identifiers: MedGen C0950123, MeSH D030342.

Allele frequency attached by ClinVar (database versions not stated): ExAC 0.00003; gnomAD exomes 0.00004; ESP Exome Variant Server 0.00015; gnomAD 0.00016 and 0.00017; TOPMed 0.00026.
gnomAD v4.1: 57 of 1,614,154 alleles (0.0035%); highest among the groups gnomAD compares: African/African-American, 0.063%; no homozygotes.

Submissions (4):

Labcorp Genetics (formerly Invitae), Labcorp
Classification: Uncertain significance. Last evaluated: 2025-10-29. Review status: criteria provided, single submitter. Criteria: Invitae Variant Classification Sherloc (09022015). Collection method: clinical testing. Allele origin: germline.
Comment: This sequence change replaces isoleucine, which is neutral and non-polar, with phenylalanine, which is neutral and non-polar, at codon 97 of the ATR protein (p.Ile97Phe). This variant is present in population databases (rs138473993, gnomAD 0.06%). This variant has not been reported in the literature in individuals affected with ATR-related conditions. ClinVar contains an entry for this variant (Variation ID: 426469). An algorithm developed to predict the effect of missense changes on protein structure and function (PolyPhen-2) suggests that this variant is likely to be tolerated. In summary, the available evidence is currently insufficient to determine the role of this variant in disease. Therefore, it has been classified as a Variant of Uncertain Significance.

Ambry Genetics
Classification: Likely benign for Inborn genetic diseases. Last evaluated: 2025-08-22. Review status: criteria provided, single submitter. Criteria: Ambry Variant Classification Scheme 2023. Collection method: clinical testing. Allele origin: germline.

PreventionGenetics, part of Exact Sciences
Classification: Uncertain significance for ATR-related condition. Last evaluated: 2025-04-29. Review status: criteria provided, single submitter. Criteria: ACMG Guidelines, 2015. Collection method: clinical testing. Allele origin: germline.
Comment: The ATR c.289A>T variant is predicted to result in the amino acid substitution p.Ile97Phe. To our knowledge, this variant has not been reported in the literature. This variant is reported in 0.068% of alleles in individuals of African descent in gnomAD. Although we suspect that this variant may be benign, the clinical significance of this variant is classified as uncertain at this time due to insufficient functional and genetic evidence.

GeneDx
Classification: Uncertain significance. Last evaluated: 2017-04-14. Review status: criteria provided, single submitter. Criteria: GeneDx Variant Classification (06012015). Collection method: clinical testing. Allele origin: germline. Affected: yes.
Comment: A variant of uncertain significance has been identified in the ATR gene. The I97F variant has not been published as a pathogenic variant, nor has it been reported as a benign variant to our knowledge. The I97F variant is not observed at a significant frequency in large population cohorts (Lek et al., 2016; 1000 Genomes Consortium et al., 2015; Exome Variant Server). The I97F variant is a conservative amino acid substitution, which is not likely to impact secondary protein structure as these residues share similar properties. This substitution occurs at a position where amino acids with similar properties to Isoleucine are tolerated across species. In silico analysis is inconsistent in its predictions as to whether or not the variant is damaging to the protein structure/function. Based on the currently available information, it is unclear whether this variant is a pathogenic variant or a rare benign variant.

NM_001184.4(ATR):c.289A>T (p.Ile97Phe)

Gene: ATR (ATR checkpoint kinase; minus strand). Cytogenetic location: 3q23.
Variant type: single nucleotide variant.
Coding change: c.289A>T on transcript NM_001184.4 (MANE Select); coding-DNA position 289, A replaced by T.
Protein change: p.Ile97Phe; replaces isoleucine 97 with phenylalanine.
Molecular consequence: missense variant.
Genome position (GRCh38, 1-based): chr3:142,566,124, T>A on the plus strand (A>T on the coding strand, the complement: ATR is on the minus strand). VCF-style: chr3-142566124-T-A. GRCh37 (hg19) VCF-style: chr3-142284966-T-A.
Other names: c.289A>T, p.Ile97Phe (NM_001354579.2); short protein forms I97F.
Identifiers: ClinVar variation 426469 (VCV000426469.8), dbSNP rs138473993, ClinGen allele CA2650807.